The following is an entry in ClinVar:

ClinVar aggregate classification (germline): Conflicting classifications of pathogenicity. Review status: criteria provided, conflicting classifications (1 of 4 stars). 2 submissions from 2 submitters: Likely pathogenic (1); Uncertain significance (1). Last evaluated 2025-12-16.

Conditions:
GM1 gangliosidosis. Identifiers: Orphanet 354, MedGen C0085131, MONDO:0018149.
Mucopolysaccharidosis, MPS-IV-B (MPS4B). Also called: MORQUIO SYNDROME B; Mucopolysaccharidosis Type IVB (Morquio B Disease); Mucopolysaccharidosis type IV B; Mucopolysaccharidosis Type IVB; Mucopolysaccharidosis type 4B; Mucopolysaccharidosis type IVB (Morquio). Identifiers: Orphanet 309310, Orphanet 582, MedGen C0086652, MONDO:0009660, OMIM 253010.

Submissions (2):

Women's Health and Genetics/Laboratory Corporation of America, LabCorp
Classification: Uncertain significance. Last evaluated: 2025-12-16. Review status: criteria provided, single submitter. Criteria: LabCorp Variant Classification Summary - May 2015. Collection method: clinical testing. Allele origin: germline.
Comment: Variant summary: GLB1 c.1768C>G (p.Arg590Gly) results in a non-conservative amino acid change in the encoded protein sequence. Algorithms developed to predict the effect of missense changes on protein structure and function all suggest that this variant is likely to be disruptive. The variant was absent in 249130 control chromosomes (gnomAD). To our knowledge, no occurrence of c.1768C>G in individuals affected with GLB1-related conditions and no experimental evidence demonstrating its impact on protein function have been reported. Other variants affecting the same codon have been classified as pathogenic by our lab (c.1768C>T/p.Arg590Cys, c.1769G>A/p.Arg590His), supporting the critical relevance of codon 590 to GLB1 protein function. ClinVar contains an entry for this variant (Variation ID: 2018030). Based on the evidence outlined above, the variant was classified as VUS-possibly pathogenic.

Labcorp Genetics (formerly Invitae), Labcorp
Classification: Likely pathogenic for Mucopolysaccharidosis, MPS-IV-B; GM1 gangliosidosis. Last evaluated: 2022-07-19. Review status: criteria provided, single submitter. Criteria: Invitae Variant Classification Sherloc (09022015). Collection method: clinical testing. Allele origin: germline.
Comment: In summary, the currently available evidence indicates that the variant is pathogenic, but additional data are needed to prove that conclusively. Therefore, this variant has been classified as Likely Pathogenic. This variant disrupts the p.Arg590 amino acid residue in GLB1. Other variant(s) that disrupt this residue have been determined to be pathogenic (PMID: 16941474, 17309651, 17664528, 23430803). This suggests that this residue is clinically significant, and that variants that disrupt this residue are likely to be disease-causing. Advanced modeling of protein sequence and biophysical properties (such as structural, functional, and spatial information, amino acid conservation, physicochemical variation, residue mobility, and thermodynamic stability) performed at Invitae indicates that this missense variant is expected to disrupt GLB1 protein function. This variant has not been reported in the literature in individuals affected with GLB1-related conditions. This variant is not present in population databases (gnomAD no frequency). This sequence change replaces arginine, which is basic and polar, with glycine, which is neutral and non-polar, at codon 590 of the GLB1 protein (p.Arg590Gly).

Literature cited by the submitters: PubMed 16941474 (cited by Labcorp Genetics (formerly Invitae), Labcorp); PubMed 17309651 (cited by Labcorp Genetics (formerly Invitae), Labcorp); PubMed 17664528 (cited by Labcorp Genetics (formerly Invitae), Labcorp); PubMed 23430803 (cited by Labcorp Genetics (formerly Invitae), Labcorp).

NM_000404.4(GLB1):c.1768C>G (p.Arg590Gly)

Gene: GLB1 (galactosidase beta 1; minus strand). Cytogenetic location: 3p22.3.
Variant type: single nucleotide variant.
Coding change: c.1768C>G on transcript NM_000404.4 (MANE Select); coding-DNA position 1768, C replaced by G.
Protein change: p.Arg590Gly; replaces arginine 590 with glycine.
Molecular consequence: missense variant. On other transcripts: intron variant (1).
Genome position (GRCh38, 1-based): chr3:32,997,311, G>C on the plus strand (C>G on the coding strand, the complement: GLB1 is on the minus strand). VCF-style: chr3-32997311-G-C. GRCh37 (hg19) VCF-style: chr3-33038803-G-C.
Other names: c.1678C>G, p.Arg560Gly (NM_001079811.3); c.1375C>G, p.Arg459Gly (NM_001135602.3); c.1912C>G, p.Arg638Gly (NM_001317040.2); c.1734+16745C>G (NM_001393580.1); short protein forms R638G, R560G, R590G, R459G.
Identifiers: ClinVar variation 2018030 (VCV002018030.5), dbSNP rs794727165, ClinGen allele CA352000785.